The following is an entry in ClinVar:

NM_020376.4(PNPLA2):c.616C>T (p.Arg206Trp)

Gene: PNPLA2 (patatin like domain 2, triacylglycerol lipase; plus strand). Cytogenetic location: 11p15.5.
Variant type: single nucleotide variant.
Coding change: c.616C>T on transcript NM_020376.4 (MANE Select); coding-DNA position 616, C replaced by T.
Protein change: p.Arg206Trp; replaces arginine 206 with tryptophan.
Molecular consequence: missense variant.
Genome position (GRCh38, 1-based): chr11:822,526, C>T. VCF-style: chr11-822526-C-T. GRCh37 (hg19) VCF-style: chr11-822526-C-T.
Other names: short protein forms R206W.
Identifiers: ClinVar variation 3719169 (VCV003719169.2).
Genomic context (GRCh38, chr11:822,526, plus strand): 5'-CCCTTCTCGGGCGAGAGTGACATCTGTCCGCAGGACAGCTCCACCAACATCCACGAGCTG[C>T]GGGTCACCAACACCAGCATCCAGTTCAACCTGCGCAACCTCTACCGCCTCTCCAAGGCCC-3'
Protein context (NP_065109.1, residues 196-216): QDSSTNIHEL[Arg206Trp]VTNTSIQFNL

ClinVar aggregate classification (germline): Uncertain significance (1 of 4 stars; one submission).

Conditions:
Neutral lipid storage myopathy (NLSDM). Also called: NEUTRAL LIPID STORAGE DISEASE WITHOUT ICHTHYOSIS. Identifiers: Orphanet 98908, MedGen C1853136, MONDO:0012545, OMIM 610717.

gnomAD v4.1: 28 of 1,613,930 alleles (0.0017%); highest among the groups gnomAD compares: Non-Finnish European, 0.0021%; no homozygotes.

Submission:

Labcorp Genetics (formerly Invitae), Labcorp
Classification: Uncertain significance for Neutral lipid storage myopathy. Last evaluated: 2024-03-16. Review status: criteria provided, single submitter. Criteria: Invitae Variant Classification Sherloc (09022015). Collection method: clinical testing. Allele origin: germline.
Comment: This sequence change replaces arginine, which is basic and polar, with tryptophan, which is neutral and slightly polar, at codon 206 of the PNPLA2 protein (p.Arg206Trp). This variant is present in population databases (rs145699347, gnomAD 0.007%). This variant has not been reported in the literature in individuals affected with PNPLA2-related conditions. Advanced modeling of protein sequence and biophysical properties (such as structural, functional, and spatial information, amino acid conservation, physicochemical variation, residue mobility, and thermodynamic stability) performed at Invitae indicates that this missense variant is expected to disrupt PNPLA2 protein function with a positive predictive value of 80%. In summary, the available evidence is currently insufficient to determine the role of this variant in disease. Therefore, it has been classified as a Variant of Uncertain Significance.